The following is an entry in ClinVar:

ClinVar aggregate classification (germline): Uncertain significance. Review status: criteria provided, multiple submitters, no conflicts (2 of 4 stars). 2 submissions from 2 submitters: Uncertain significance (2). Last evaluated 2025-01-06.

Conditions:
Agammaglobulinemia 3, autosomal recessive (AGM3). Also called: AGAMMAGLOBULINEMIA 3; AGAMMAGLOBULINEMIA, AUTOSOMAL RECESSIVE, DUE TO CD79A DEFECT. Identifiers: MedGen C3150751, MONDO:0013288, OMIM 613501.

Allele frequency attached by ClinVar (database versions not stated): ESP Exome Variant Server 0.00008; 1000 Genomes Project 30x 0.00016; TOPMed 0.00018; 1000 Genomes Project 0.00020; gnomAD exomes 0.00024 and 0.00029; ExAC 0.00025.
gnomAD v4.1: 352 of 1,614,126 alleles (0.022%); highest among the groups gnomAD compares: South Asian, 0.094%; no homozygotes.

Submissions (2):

Labcorp Genetics (formerly Invitae), Labcorp
Classification: Uncertain significance for Agammaglobulinemia 3, autosomal recessive. Last evaluated: 2025-01-06. Review status: criteria provided, single submitter. Criteria: Invitae Variant Classification Sherloc (09022015). Collection method: clinical testing. Allele origin: germline.
Comment: This sequence change replaces threonine, which is neutral and polar, with methionine, which is neutral and non-polar, at codon 75 of the CD79A protein (p.Thr75Met). This variant is present in population databases (rs199967393, gnomAD 0.1%). This variant has not been reported in the literature in individuals affected with CD79A-related conditions. ClinVar contains an entry for this variant (Variation ID: 835007). An algorithm developed to predict the effect of missense changes on protein structure and function (PolyPhen-2) suggests that this variant is likely to be disruptive. In summary, the available evidence is currently insufficient to determine the role of this variant in disease. Therefore, it has been classified as a Variant of Uncertain Significance.

Center for Genomics, Ann and Robert H. Lurie Children's Hospital of Chicago
Classification: Uncertain significance for Agammaglobulinemia 3, autosomal recessive. Last evaluated: 2021-03-30. Review status: criteria provided, single submitter. Criteria: ACMG Guidelines, 2015. Collection method: clinical testing. Allele origin: germline.
Comment: CD79A NM_001783.3 exon 2 p.Thr75Met (c.224C>T): This variant has not been reported in the literature but is present in 0.09% (30/30616) of South Asian alleles in the Genome Aggregation Database. This variant is present in ClinVar (Variation ID:835007). Evolutionary conservation suggests that this variant may not impact the protein; computational predictive tools for this variant are unclear. In summary, data on this variant is insufficient for disease classification. Therefore, the clinical significance of this variant is uncertain.

NM_001783.4(CD79A):c.224C>T (p.Thr75Met)

Genes: CD79A (CD79a molecule; plus strand), RPS19-CD79A (RPS19-CD79A readthrough; plus strand). Cytogenetic location: 19q13.2.
Variant type: single nucleotide variant.
Coding change: c.224C>T on transcript NM_001783.4 (MANE Select); coding-DNA position 224, C replaced by T.
Protein change: p.Thr75Met; replaces threonine 75 with methionine.
Molecular consequence: missense variant.
Genome position (GRCh38, 1-based): chr19:41,879,134, C>T. VCF-style: chr19-41879134-C-T. GRCh37 (hg19) VCF-style: chr19-42383204-C-T.
Other names: c.224C>T, p.Thr75Met (NM_021601.4); short protein forms T75M.
Identifiers: ClinVar variation 835007 (VCV000835007.8), dbSNP rs199967393, ClinGen allele CA9465541.
Genomic context (GRCh38, chr19:41,879,134, plus strand): 5'-CGCACAATAGCAGCAACAACGCCAACGTCACCTGGTGGCGCGTCCTCCATGGCAACTACA[C>T]GTGGCCCCCTGAGTTCTTGGGCCCGGGCGAGGACCCCAATGGTACGCTGATCATCCAGAA-3'
Protein context (NP_001774.1, residues 65-85): TWWRVLHGNY[Thr75Met]WPPEFLGPGE